The following is an entry in ClinVar:

NM_213599.3(ANO5):c.2613G>A (p.Met871Ile)

Gene: ANO5 (anoctamin 5; plus strand). Cytogenetic location: 11p14.3.
Variant type: single nucleotide variant.
Coding change: c.2613G>A on transcript NM_213599.3 (MANE Select); coding-DNA position 2613, G replaced by A.
Protein change: p.Met871Ile; replaces methionine 871 with isoleucine.
Molecular consequence: missense variant.
Genome position (GRCh38, 1-based): chr11:22,279,636, G>A. VCF-style: chr11-22279636-G-A. GRCh37 (hg19) VCF-style: chr11-22301182-G-A.
Other names: c.2610G>A, p.Met870Ile (NM_001142649.2); c.2571G>A, p.Met857Ile (NM_001410963.1); c.2568G>A, p.Met856Ile (NM_001410964.1); short protein forms M870I, M871I, M856I, M857I.
Identifiers: ClinVar variation 1977048 (VCV001977048.5), dbSNP rs372387443, ClinGen allele CA218779554.

ClinVar aggregate classification (germline): Uncertain significance (1 of 4 stars; one submission).

Conditions:
Gnathodiaphyseal dysplasia (GDD). Also called: GNATHODIAPHYSEAL SCLEROSIS; OSTEOGENESIS IMPERFECTA WITH UNUSUAL SKELETAL LESIONS. Identifiers: Orphanet 53697, MedGen C1833736, MONDO:0008151, OMIM 166260.
Autosomal recessive limb-girdle muscular dystrophy type 2L (LGMDR12). Also called: Limb-Girdle Muscular Dystrophy R12 Anoctamin-5-Related (LGMD-R12); MUSCULAR DYSTROPHY, LIMB-GIRDLE, AUTOSOMAL RECESSIVE 12; Limb-girdle muscular dystrophy, type 2L. Identifiers: Orphanet 206549, MedGen C1969785, MONDO:0012652, OMIM 611307.

Allele frequency attached by ClinVar (database versions not stated): ESP Exome Variant Server 0.00008.

Submission:

Labcorp Genetics (formerly Invitae), Labcorp
Classification: Uncertain significance for Autosomal recessive limb-girdle muscular dystrophy type 2L; Gnathodiaphyseal dysplasia. Last evaluated: 2022-08-03. Review status: criteria provided, single submitter. Criteria: Invitae Variant Classification Sherloc (09022015). Collection method: clinical testing. Allele origin: germline.
Comment: This sequence change replaces methionine, which is neutral and non-polar, with isoleucine, which is neutral and non-polar, at codon 871 of the ANO5 protein (p.Met871Ile). This variant is not present in population databases (gnomAD no frequency). This variant has not been reported in the literature in individuals affected with ANO5-related conditions. Advanced modeling of protein sequence and biophysical properties (such as structural, functional, and spatial information, amino acid conservation, physicochemical variation, residue mobility, and thermodynamic stability) performed at Invitae indicates that this missense variant is not expected to disrupt ANO5 protein function. In summary, the available evidence is currently insufficient to determine the role of this variant in disease. Therefore, it has been classified as a Variant of Uncertain Significance.